The following is an entry in ClinVar:

NM_000051.4(ATM):c.8979A>C (p.Arg2993=)

Genes: ATM (ATM serine/threonine kinase; plus strand), C11orf65 (chromosome 11 open reading frame 65; minus strand). Cytogenetic location: 11q22.3.
Variant type: single nucleotide variant.
Coding change: c.8979A>C on transcript NM_000051.4 (MANE Select); coding-DNA position 8979, A replaced by C.
Protein change: p.Arg2993=; no amino-acid change (arginine 2993 retained).
Molecular consequence: synonymous variant. On other transcripts: intron variant (2).
Genome position (GRCh38, 1-based): chr11:108,365,210, A>C. VCF-style: chr11-108365210-A-C. GRCh37 (hg19) VCF-style: chr11-108235937-A-C.
Other names: c.8979A>C, p.Arg2993= (NM_001351834.2); c.640+20710T>G (NM_001330368.2); c.694+20710T>G (NM_001351110.2).
Identifiers: ClinVar variation 765192 (VCV000765192.15), dbSNP rs1042288533, ClinGen allele CA476745439.
Genomic context (GRCh38, chr11:108,365,210, plus strand): 5'-GCCGGAAGATGAAACTGAGCTTCACCCTACTCTGAATGCAGATGACCAAGAATGCAAACG[A>C]AATCTCAGGTGAGCAGTATTTTAAGAAGGTCCTGTTGTCAGTTTTTCAGATTTTCTTATT-3'
Protein context (NP_000042.3, residues 2983-3003): TLNADDQECK[Arg2993=]NLSDIDQSFN

ClinVar aggregate classification (germline): Benign/Likely benign. Review status: criteria provided, multiple submitters, no conflicts (2 of 4 stars). 3 submissions from 3 submitters: Benign (1); Likely benign (2). Last evaluated 2024-06-24.

Conditions:
Hereditary cancer-predisposing syndrome. Also called: Tumor predisposition; Hereditary neoplastic syndrome; Neoplastic Syndromes, Hereditary; Hereditary Cancer Syndrome. Identifiers: Orphanet 140162, MedGen C0027672, MeSH D009386, MONDO:0015356.
Familial cancer of breast. Also called: Hereditary breast cancer; BREAST CANCER, FAMILIAL; hereditary breast carcinoma. Identifiers: Orphanet 227535, MedGen C0346153, MONDO:0016419, OMIM 114480. Disease mechanism: loss of function.
Ataxia-telangiectasia syndrome (AT). Also called: Ataxia-telangiectasia, complementation group D; AT, COMPLEMENTATION GROUP C; ATAXIA-TELANGIECTASIA, COMPLEMENTATION GROUP A; ATAXIA-TELANGIECTASIA, FRESNO VARIANT; Ataxia-telangiectasia; LOUIS-BAR SYNDROME. Identifiers: Orphanet 100, MedGen C0004135, MONDO:0008840, OMIM 208900.

Submissions (3):

Myriad Genetics, Inc.
Classification: Benign for Familial cancer of breast. Last evaluated: 2024-06-24. Review status: criteria provided, single submitter. Criteria: Myriad Autosomal Dominant, Autosomal Recessive and X-Linked Classification Criteria (2023). Collection method: clinical testing. Allele origin: unknown.
Comment: This variant is considered benign. This variant is a silent/synonymous amino acid change and it is not expected to impact splicing.

Labcorp Genetics (formerly Invitae), Labcorp
Classification: Likely benign for Ataxia-telangiectasia syndrome. Last evaluated: 2021-10-24. Review status: criteria provided, single submitter. Criteria: Invitae Variant Classification Sherloc (09022015). Collection method: clinical testing. Allele origin: germline.

Ambry Genetics
Classification: Likely benign for Hereditary cancer-predisposing syndrome. Last evaluated: 2019-06-01. Review status: criteria provided, single submitter. Criteria: Ambry Variant Classification Scheme 2023. Collection method: clinical testing. Allele origin: germline.